The following is an entry in ClinVar:

NM_000321.3(RB1):c.500G>C (p.Arg167Thr)

Gene: RB1 (RB transcriptional corepressor 1; plus strand). Cytogenetic location: 13q14.2.
Variant type: single nucleotide variant.
Coding change: c.500G>C on transcript NM_000321.3 (MANE Select); coding-DNA position 500, G replaced by C.
Protein change: p.Arg167Thr; replaces arginine 167 with threonine.
Molecular consequence: missense variant.
Genome position (GRCh38, 1-based): chr13:48,345,199, G>C. VCF-style: chr13-48345199-G-C. GRCh37 (hg19) VCF-style: chr13-48919335-G-C.
Other names: c.500G>C, p.Arg167Thr (NM_001407165.1, NM_001407166.1); short protein forms R167T.
Identifiers: ClinVar variation 1744756 (VCV001744756.2), dbSNP rs2138087857, ClinGen allele CA388252864.

ClinVar aggregate classification (germline): Uncertain significance (1 of 4 stars; one submission).

Conditions:
Hereditary cancer-predisposing syndrome. Also called: Hereditary Cancer Syndrome; Neoplastic Syndromes, Hereditary; Tumor predisposition; Hereditary neoplastic syndrome. Identifiers: Orphanet 140162, MedGen C0027672, MeSH D009386, MONDO:0015356.

Submission:

Ambry Genetics
Classification: Uncertain significance for Hereditary cancer-predisposing syndrome. Last evaluated: 2020-12-22. Review status: criteria provided, single submitter. Criteria: Ambry Variant Classification Scheme 2023. Collection method: clinical testing. Allele origin: germline.
Comment: The c.500G>C variant (also known as p.R167T), located in coding exon 4 of the RB1 gene, results from a G to C substitution at nucleotide position 500. The amino acid change results in arginine to threonine at codon 167, an amino acid with similar properties. This amino acid position is highly conserved in available vertebrate species. In addition, the in silico prediction for this alteration is inconclusive. Since supporting evidence is limited at this time, the clinical significance of this alteration remains unclear.